The following is an entry in ClinVar:

NM_001320537.2(SLC37A1):c.1423+1770C>T

Gene: SLC37A1 (solute carrier family 37 member 1; plus strand). Cytogenetic location: 21q22.3.
Variant type: single nucleotide variant.
Coding change: c.1423+1770C>T on transcript NM_001320537.2 (MANE Select); 1770 bases into the intron after coding-DNA position 1423, C replaced by T.
Molecular consequence: intron variant.
Genome position (GRCh38, 1-based): chr21:42,570,208, C>T. VCF-style: chr21-42570208-C-T. GRCh37 (hg19) VCF-style: chr21-43990318-C-T.
Other names: c.1423+1770C>T (NM_018964.4).
Identifiers: ClinVar variation 2652710 (VCV002652710.24), dbSNP rs1450619375, ClinGen allele CA638067220.
Genomic context (GRCh38, chr21:42,570,208, plus strand): 5'-TCTGAGAAGCGGCGGGCAGGGTGGCCATTGCCATGTGACACATGGCCTGGTTCTGAGAAG[C>T]GGCAGGCAGGGTGGCCGTTGCCATGTCATGTGACACACGGCCTGGTTCTGAGAAGCGGCA-3'

ClinVar aggregate classification (germline): Likely benign (1 of 4 stars; one submission).

Allele frequency attached by ClinVar (database versions not stated): gnomAD 0.00096.
gnomAD v4.1: 113 of 117,550 alleles (0.096%); highest among the groups gnomAD compares: Middle Eastern, 1.7%; 18 homozygotes.

Submission:

CeGaT Center for Human Genetics Tuebingen
Classification: Likely benign. Last evaluated: 2023-03-01. Review status: criteria provided, single submitter. Criteria: CeGaT Center For Human Genetics Tuebingen Variant Classification Criteria Version 2. Collection method: clinical testing. Allele origin: germline. Affected: yes. Observed: 1 variant allele.
Comment: SLC37A1: BS2